The following is an entry in ClinVar:

ClinVar aggregate classification (germline): Uncertain significance. Review status: criteria provided, single submitter (1 of 4 stars). 2 submissions from 2 submitters: Uncertain significance (1). 1 of the submissions does not count toward it. Last evaluated 2022-08-15.

Conditions:
VPS13B-related disorder. Also called: VPS13B-related condition.
Cohen syndrome (COH1). Also called: Cutis verticis gyrata, retinitis pigmentosa, and sensorineural deafness; PEPPER SYNDROME. Identifiers: Orphanet 193, MedGen C0265223, MONDO:0008999, OMIM 216550.

Allele frequency attached by ClinVar (database versions not stated): gnomAD 0.00001; TOPMed 0.00001; ExAC 0.00002; gnomAD exomes 0.00002 and 0.00003.
gnomAD v4.1: 33 of 1,613,896 alleles (0.002%); highest among the groups gnomAD compares: Admixed American, 0.0083%; no homozygotes.

Submissions (2):

Labcorp Genetics (formerly Invitae), Labcorp
Classification: Uncertain significance for Cohen syndrome. Last evaluated: 2022-08-15. Review status: criteria provided, single submitter. Criteria: Invitae Variant Classification Sherloc (09022015). Collection method: clinical testing. Allele origin: germline.
Comment: This sequence change replaces glycine, which is neutral and non-polar, with arginine, which is basic and polar, at codon 2223 of the VPS13B protein (p.Gly2223Arg). This variant is present in population databases (rs751576277, gnomAD 0.01%). This variant has not been reported in the literature in individuals affected with VPS13B-related conditions. ClinVar contains an entry for this variant (Variation ID: 1426849). Algorithms developed to predict the effect of missense changes on protein structure and function are either unavailable or do not agree on the potential impact of this missense change (SIFT: "Not Available"; PolyPhen-2: "Probably Damaging"; Align-GVGD: "Not Available"). In summary, the available evidence is currently insufficient to determine the role of this variant in disease. Therefore, it has been classified as a Variant of Uncertain Significance.

PreventionGenetics, part of Exact Sciences
Classification: Uncertain significance for VPS13B-related condition. Last evaluated: 2024-03-05. Review status: no assertion criteria provided. Collection method: clinical testing. Allele origin: germline. Not counted in ClinVar's aggregate classification.
Comment: The VPS13B c.6592G>A variant is predicted to result in the amino acid substitution p.Gly2198Arg. To our knowledge, this variant has not been reported in the literature. This variant is reported in 0.014% of alleles in individuals of Latino descent in gnomAD. At this time, the clinical significance of this variant is uncertain due to the absence of conclusive functional and genetic evidence.

NM_152564.5(VPS13B):c.6592G>A (p.Gly2198Arg)

Gene: VPS13B (vacuolar protein sorting 13 homolog B; plus strand). Cytogenetic location: 8q22.2.
Variant type: single nucleotide variant.
Coding change: c.6592G>A on transcript NM_152564.5 (MANE Select); coding-DNA position 6592, G replaced by A.
Protein change: p.Gly2198Arg; replaces glycine 2198 with arginine.
Molecular consequence: missense variant.
Genome position (GRCh38, 1-based): chr8:99,717,308, G>A. VCF-style: chr8-99717308-G-A. GRCh37 (hg19) VCF-style: chr8-100729536-G-A.
Other names: c.6667G>A, p.Gly2223Arg (NM_017890.5); c.6592G>A (NM_152564.4); short protein forms G2198R, G2223R.
Identifiers: ClinVar variation 1426849 (VCV001426849.6), dbSNP rs751576277, ClinGen allele CA4824035.
Genomic context (GRCh38, chr8:99,717,308, plus strand): 5'-ATTCTGATAGGACCATGTTGTGCTACTGCCAATCTGGAAGCTAAGTGGTGTAAACACAGC[G>A]GGAATCCAGGCCCAGAACAATCCATACCAAAAATATCCATTGACTTAAGAGGAGGTCTAC-3'
Protein context (NP_689777.3, residues 2188-2208): NLEAKWCKHS[Gly2198Arg]NPGPEQSIPK